The following is an entry in ClinVar:

ClinVar aggregate classification (germline): Uncertain significance. Review status: criteria provided, multiple submitters, no conflicts (2 of 4 stars). 3 submissions from 3 submitters: Uncertain significance (2). 1 of the submissions does not count toward it. Last evaluated 2024-05-10.

Conditions:
CXCR4-related disorder. Also called: CXCR4-related condition.
Warts, hypogammaglobulinemia, infections, and myelokathexis. Also called: WHIM syndrome. Identifiers: MedGen C0472817, MONDO:0023880.
WHIM syndrome 1 (WHIMS). Identifiers: Orphanet 51636, MedGen C5542296, MONDO:8000006, OMIM 193670.

Allele frequency attached by ClinVar (database versions not stated): gnomAD 0.00001; gnomAD exomes 0.00002; TOPMed 0.00002.
gnomAD v4.1: 37 of 1,613,888 alleles (0.0023%); highest among the groups gnomAD compares: Non-Finnish European, 0.0031%; no homozygotes.

Submissions (3):

Labcorp Genetics (formerly Invitae), Labcorp
Classification: Uncertain significance for Warts, hypogammaglobulinemia, infections, and myelokathexis. Last evaluated: 2024-05-10. Review status: criteria provided, single submitter. Criteria: Invitae Variant Classification Sherloc (09022015). Collection method: clinical testing. Allele origin: germline.
Comment: This sequence change replaces isoleucine, which is neutral and non-polar, with leucine, which is neutral and non-polar, at codon 243 of the CXCR4 protein (p.Ile243Leu). This variant is present in population databases (rs762937679, gnomAD 0.007%). This variant has not been reported in the literature in individuals affected with CXCR4-related conditions. ClinVar contains an entry for this variant (Variation ID: 644782). An algorithm developed to predict the effect of missense changes on protein structure and function (PolyPhen-2) suggests that this variant is likely to be tolerated. In summary, the available evidence is currently insufficient to determine the role of this variant in disease. Therefore, it has been classified as a Variant of Uncertain Significance.

Baylor Genetics
Classification: Uncertain significance for WHIM syndrome 1. Last evaluated: 2022-01-28. Review status: criteria provided, single submitter. Criteria: ACMG Guidelines, 2015. Collection method: clinical testing. Allele origin: unknown.

PreventionGenetics, part of Exact Sciences
Classification: Uncertain significance for CXCR4-related condition. Last evaluated: 2024-02-23. Review status: no assertion criteria provided. Collection method: clinical testing. Allele origin: germline. Not counted in ClinVar's aggregate classification.
Comment: The CXCR4 c.727A>C variant is predicted to result in the amino acid substitution p.Ile243Leu. To our knowledge, this variant has not been reported in the literature. This variant is reported in 0.0065% of alleles in individuals of European (non-Finnish) descent in gnomAD. At this time, the clinical significance of this variant is uncertain due to the absence of conclusive functional and genetic evidence.

NM_003467.3(CXCR4):c.727A>C (p.Ile243Leu)

Gene: CXCR4 (C-X-C motif chemokine receptor 4; minus strand). Cytogenetic location: 2q22.1.
Variant type: single nucleotide variant.
Coding change: c.727A>C on transcript NM_003467.3 (MANE Select); coding-DNA position 727, A replaced by C.
Protein change: p.Ile243Leu; replaces isoleucine 243 with leucine.
Molecular consequence: missense variant.
Genome position (GRCh38, 1-based): chr2:136,115,201, T>G on the plus strand (A>C on the coding strand, the complement: CXCR4 is on the minus strand). VCF-style: chr2-136115201-T-G. GRCh37 (hg19) VCF-style: chr2-136872771-T-G.
Other names: c.682A>C, p.Ile228Leu (NM_001348060.2); c.739A>C, p.Ile247Leu (NM_001008540.2); c.940A>C, p.Ile314Leu (NM_001348056.2); c.826A>C, p.Ile276Leu (NM_001348059.2); short protein forms I276L, I314L, I243L, I228L, I247L.
Identifiers: ClinVar variation 644782 (VCV000644782.9), dbSNP rs762937679, ClinGen allele CA56886474.